The following is an entry in ClinVar:

NM_175875.5(SIX5):c.1264C>T (p.Leu422=)

Gene: SIX5 (SIX homeobox 5; minus strand). Cytogenetic location: 19q13.32.
Variant type: single nucleotide variant.
Coding change: c.1264C>T on transcript NM_175875.5 (MANE Select); coding-DNA position 1264, C replaced by T.
Protein change: p.Leu422=; no amino-acid change (leucine 422 retained).
Molecular consequence: synonymous variant.
Genome position (GRCh38, 1-based): chr19:45,766,695, G>A on the plus strand (C>T on the coding strand, the complement: SIX5 is on the minus strand). VCF-style: chr19-45766695-G-A. GRCh37 (hg19) VCF-style: chr19-46269953-G-A.
Identifiers: ClinVar variation 740468 (VCV000740468.14), dbSNP rs193244455, ClinGen allele CA9520647.

ClinVar aggregate classification (germline): Likely benign. Review status: criteria provided, multiple submitters, no conflicts (2 of 4 stars). 4 submissions from 4 submitters: Likely benign (3). 1 of the submissions does not count toward it. Last evaluated 2025-12-10.

Conditions:
SIX5-related disorder. Also called: SIX5-related condition.
Branchiootorenal syndrome 2 (BOR2). Identifiers: Orphanet 107, MedGen C1970479, MONDO:0012575, OMIM 610896.

Allele frequency attached by ClinVar (database versions not stated): gnomAD exomes 0.00005 and 0.00012; gnomAD 0.00050 and 0.00052; TOPMed 0.00053; ExAC 0.00077; 1000 Genomes Project 0.00100; 1000 Genomes Project 30x 0.00141.

Submissions (4):

Labcorp Genetics (formerly Invitae), Labcorp
Classification: Likely benign. Last evaluated: 2025-12-10. Review status: criteria provided, single submitter. Criteria: Invitae Variant Classification Sherloc (09022015). Collection method: clinical testing. Allele origin: germline.

Blueprint Genetics
Classification: Likely benign. Last evaluated: 2024-09-16. Review status: criteria provided, single submitter. Criteria: ACMG Guidelines, 2015. Collection method: clinical testing. Allele origin: germline.

Fulgent Genetics
Classification: Likely benign for Branchiootorenal syndrome 2. Last evaluated: 2021-12-05. Review status: criteria provided, single submitter. Criteria: ACMG Guidelines, 2015. Collection method: clinical testing. Allele origin: unknown.

PreventionGenetics, part of Exact Sciences
Classification: Likely benign for SIX5-related condition. Last evaluated: 2019-07-02. Review status: no assertion criteria provided. Collection method: clinical testing. Allele origin: germline. Not counted in ClinVar's aggregate classification.
Comment: This variant is classified as likely benign based on ACMG/AMP sequence variant interpretation guidelines (Richards et al. 2015 PMID: 25741868, with internal and published modifications).